The following is an entry in ClinVar:

ClinVar aggregate classification (germline): Uncertain significance (1 of 4 stars; one submission).

Conditions:
Pallister-Hall syndrome (PHS). Also called: GLI3-Related Pallister-Hall Syndrome; HYPOTHALAMIC HAMARTOBLASTOMA, HYPOPITUITARISM, IMPERFORATE ANUS, AND POSTAXIAL POLYDACTYLY. Identifiers: Orphanet 672, MedGen C0265220, MONDO:0007804, OMIM 146510.
Greig cephalopolysyndactyly syndrome (GCPS). Also called: POLYSYNDACTYLY WITH PECULIAR SKULL SHAPE; Greig syndrome; GLI3-Related Greig Cephalopolysyndactyly Syndrome. Identifiers: Orphanet 380, MedGen C0265306, MONDO:0008287, OMIM 175700.

Submission:

Labcorp Genetics (formerly Invitae), Labcorp
Classification: Uncertain significance for Pallister-Hall syndrome; Greig cephalopolysyndactyly syndrome. Last evaluated: 2025-04-09. Review status: criteria provided, single submitter. Criteria: Invitae Variant Classification Sherloc (09022015). Collection method: clinical testing. Allele origin: germline.
Comment: This sequence change replaces serine, which is neutral and polar, with cysteine, which is neutral and slightly polar, at codon 861 of the GLI3 protein (p.Ser861Cys). This variant is not present in population databases (gnomAD no frequency). This variant has not been reported in the literature in individuals affected with GLI3-related conditions. Invitae Evidence Modeling of protein sequence and biophysical properties (such as structural, functional, and spatial information, amino acid conservation, physicochemical variation, residue mobility, and thermodynamic stability) has been performed for this missense variant. However, the output from this modeling did not meet the statistical confidence thresholds required to predict the impact of this variant on GLI3 protein function. In summary, the available evidence is currently insufficient to determine the role of this variant in disease. Therefore, it has been classified as a Variant of Uncertain Significance.

NM_000168.6(GLI3):c.2581A>T (p.Ser861Cys)

Gene: GLI3 (GLI family zinc finger 3; minus strand). Cytogenetic location: 7p14.1.
Variant type: single nucleotide variant.
Coding change: c.2581A>T on transcript NM_000168.6 (MANE Select); coding-DNA position 2581, A replaced by T.
Protein change: p.Ser861Cys; replaces serine 861 with cysteine.
Molecular consequence: missense variant.
Genome position (GRCh38, 1-based): chr7:41,966,492, T>A on the plus strand (A>T on the coding strand, the complement: GLI3 is on the minus strand). VCF-style: chr7-41966492-T-A. GRCh37 (hg19) VCF-style: chr7-42006090-T-A.
Other names: short protein forms S861C.
Identifiers: ClinVar variation 4783599 (VCV004783599.1).